The following is an entry in ClinVar:

ClinVar aggregate classification (germline): Pathogenic (1 of 4 stars; one submission).

Conditions:
Hereditary cancer-predisposing syndrome. Also called: Hereditary neoplastic syndrome; Tumor predisposition; Hereditary Cancer Syndrome; Neoplastic Syndromes, Hereditary. Identifiers: Orphanet 140162, MedGen C0027672, MeSH D009386, MONDO:0015356.

Submission:

Labcorp Genetics (formerly Invitae), Labcorp
Classification: Pathogenic for Hereditary cancer-predisposing syndrome. Last evaluated: 2021-10-08. Review status: criteria provided, single submitter. Criteria: Invitae Variant Classification Sherloc (09022015). Collection method: clinical testing. Allele origin: germline.
Comment: Loss-of-function variants in RAD50 are known to be pathogenic (PMID: 16385572, 19409520). For these reasons, this variant has been classified as Pathogenic. Algorithms developed to predict the effect of sequence changes on RNA splicing suggest that this variant may disrupt the consensus splice site, but this prediction has not been confirmed by published transcriptional studies. This variant has not been reported in the literature in individuals with RAD50-related conditions. This variant is not present in population databases (ExAC no frequency). This sequence change creates a premature translational stop signal (p.Tyr185Ilefs*3) in the RAD50 gene. It is expected to result in an absent or disrupted protein product.

Literature cited by the submitters: PubMed 16385572; PubMed 19409520.

NM_005732.4(RAD50):c.551+1dup

Gene: RAD50 (RAD50 double strand break repair protein; plus strand). Cytogenetic location: 5q31.1.
Variant type: Duplication.
Coding change: c.551+1dup on transcript NM_005732.4 (MANE Select); the canonical splice donor site of the intron after coding-DNA position 551, one base duplicated (G; older notation c.551+1dupG).
Molecular consequence: splice donor variant.
Genome position (GRCh38, 1-based): chr5:132,579,503, G duplicated; the last of 2 consecutive G bases (chr5:132,579,502-132,579,503); duplicating either gives the same sequence. VCF-style (leftmost placement, unchanged base first): chr5-132579501-A-AG. GRCh37 (hg19) VCF-style: chr5-131915193-A-AG.
Identifiers: ClinVar variation 1070572 (VCV001070572.7), dbSNP rs2149837821, ClinGen allele CA2499217566.
Genomic context (GRCh38, chr5:132,579,501, plus strand): 5'-TGGCCTTTAAGTGAAGGAAAGGCTTTGAAGCAAAAGTTTGATGAGATTTTTTCAGCAACA[A>AG]GGTTTGTAACCCTTAAATAGACTTTGTAGTCCATTAAGTTATTGAACTGTGTTTGCAATT-3'